The following is an entry in ClinVar:

NM_002838.5(PTPRC):c.768G>T (p.Glu256Asp)

Gene: PTPRC (protein tyrosine phosphatase receptor type C; plus strand). Cytogenetic location: 1q32.1.
Variant type: single nucleotide variant.
Coding change: c.768G>T on transcript NM_002838.5 (MANE Select); coding-DNA position 768, G replaced by T.
Protein change: p.Glu256Asp; replaces glutamic acid 256 with aspartic acid.
Molecular consequence: missense variant.
Genome position (GRCh38, 1-based): chr1:198,706,816, G>T. VCF-style: chr1-198706816-G-T. GRCh37 (hg19) VCF-style: chr1-198675945-G-T.
Other names: c.285G>T, p.Glu95Asp (NM_080921.4); short protein forms E95D, E256D.
Identifiers: ClinVar variation 1907834 (VCV001907834.3), dbSNP rs780129489, ClinGen allele CA344033313.

ClinVar aggregate classification (germline): Uncertain significance (1 of 4 stars; one submission).

Conditions:
Immunodeficiency 104. Also called: Severe combined immunodeficiency, autosomal recessive, T cell-negative, B cell-positive, NK cell-positive; SCID, AUTOSOMAL RECESSIVE, T CELL-NEGATIVE, B CELL-POSITIVE, NK CELL-POSITIVE; Severe Combined Immune Deficiency, Autosomal Recessive, TCell -Negative, B Cell-Positive, NK Cell-Positive, IL7R-Related; IMMUNODEFICIENCY 104, SEVERE COMBINED. Identifiers: MedGen C5676890, MONDO:0012163, OMIM 608971.

gnomAD v4.1: 1 of 1,612,876 alleles (0.000062%); no homozygotes.

Submission:

Labcorp Genetics (formerly Invitae), Labcorp
Classification: Uncertain significance for Immunodeficiency 104. Last evaluated: 2023-07-17. Review status: criteria provided, single submitter. Criteria: Invitae Variant Classification Sherloc (09022015). Collection method: clinical testing. Allele origin: germline.
Comment: This sequence change replaces glutamic acid, which is acidic and polar, with aspartic acid, which is acidic and polar, at codon 256 of the PTPRC protein (p.Glu256Asp). This variant is present in population databases (no rsID available, gnomAD 0.006%). This variant has not been reported in the literature in individuals affected with PTPRC-related conditions. ClinVar contains an entry for this variant (Variation ID: 1907834). Algorithms developed to predict the effect of missense changes on protein structure and function output the following: SIFT: "Not Available"; PolyPhen-2: "Benign"; Align-GVGD: "Not Available". The aspartic acid amino acid residue is found in multiple mammalian species, which suggests that this missense change does not adversely affect protein function. In summary, the available evidence is currently insufficient to determine the role of this variant in disease. Therefore, it has been classified as a Variant of Uncertain Significance.